The following is an entry in ClinVar:

ClinVar aggregate classification (germline): Likely benign (0 of 4 stars; one submission).

Conditions:
CUL4B-related disorder. Also called: CUL4B-related condition.

Submission:

PreventionGenetics, part of Exact Sciences
Classification: Likely benign for CUL4B-related condition. Last evaluated: 2022-02-26. Review status: no assertion criteria provided. Collection method: clinical testing. Allele origin: germline.
Comment: This variant is classified as likely benign based on ACMG/AMP sequence variant interpretation guidelines (Richards et al. 2015 PMID: 25741868, with internal and published modifications).

NM_001079872.2(CUL4B):c.1800A>G (p.Gly600=)

Gene: CUL4B (cullin 4B; minus strand). Cytogenetic location: Xq24.
Variant type: single nucleotide variant.
Coding change: c.1800A>G on transcript NM_001079872.2 (MANE Select); coding-DNA position 1800, A replaced by G.
Protein change: p.Gly600=; no amino-acid change (glycine 600 retained).
Molecular consequence: synonymous variant.
Genome position (GRCh38, 1-based): chrX:120,538,712, T>C on the plus strand (A>G on the coding strand, the complement: CUL4B is on the minus strand). VCF-style: chrX-120538712-T-C. GRCh37 (hg19) VCF-style: chrX-119672567-T-C.
Other names: c.1815A>G, p.Gly605= (NM_001330624.2); c.1266A>G, p.Gly422= (NM_001369145.1); c.1854A>G, p.Gly618= (NM_003588.4).
Identifiers: ClinVar variation 3054156 (VCV003054156.2), dbSNP rs2521089968, ClinGen allele CA518224215.